The following is an entry in ClinVar:

NM_001171020.2(PWWP3B):c.488C>G (p.Ser163Cys)

Gene: PWWP3B (PWWP domain containing 3B; plus strand). Cytogenetic location: Xq22.3.
Variant type: single nucleotide variant.
Coding change: c.488C>G on transcript NM_001171020.2 (MANE Select); coding-DNA position 488, C replaced by G.
Protein change: p.Ser163Cys; replaces serine 163 with cysteine.
Molecular consequence: missense variant.
Genome position (GRCh38, 1-based): chrX:106,205,920, C>G. VCF-style: chrX-106205920-C-G. GRCh37 (hg19) VCF-style: chrX-105449913-C-G.
Other names: c.488C>G, p.Ser163Cys (NM_152423.5); short protein forms S163C.
Identifiers: ClinVar variation 4574527 (VCV004574527.1).

ClinVar aggregate classification (germline): Uncertain significance (1 of 4 stars; one submission).

gnomAD v4.1: 4 of 1,209,313 alleles (0.00033%); highest among the groups gnomAD compares: Admixed American, 0.0088%; no homozygotes.

Submission:

Ambry Genetics
Classification: Uncertain significance. Last evaluated: 2025-11-26. Review status: criteria provided, single submitter. Criteria: Ambry Variant Classification Scheme 2023. Collection method: clinical testing. Allele origin: germline.
Comment: The c.488C>G (p.S163C) alteration is located in exon 5 (coding exon 1) of the MUM1L1 gene. This alteration results from a C to G substitution at nucleotide position 488, causing the serine (S) at amino acid position 163 to be replaced by a cysteine (C). Based on data from gnomAD, the G allele has an overall frequency of 0.001% (2/178794) total alleles studied. The highest observed frequency was 0.007% (2/27132) of Latino alleles. Based on insufficient or conflicting evidence, the clinical significance of this alteration remains unclear.